The following is an entry in ClinVar:

ClinVar aggregate classification (germline): Uncertain significance. Review status: criteria provided, multiple submitters, no conflicts (2 of 4 stars). 3 submissions from 3 submitters: Uncertain significance (3). Last evaluated 2024-12-23.

Conditions:
Inborn genetic diseases. Identifiers: MedGen C0950123, MeSH D030342.

Allele frequency attached by ClinVar (database versions not stated): TOPMed 0.00001; ExAC 0.00002; gnomAD exomes 0.00002.
gnomAD v4.1: 38 of 1,612,026 alleles (0.0024%); highest among the groups gnomAD compares: Non-Finnish European, 0.0027%; no homozygotes.

Submissions (3):

Ambry Genetics
Classification: Uncertain significance for Inborn genetic diseases. Last evaluated: 2024-12-23. Review status: criteria provided, single submitter. Criteria: Ambry Variant Classification Scheme 2023. Collection method: clinical testing. Allele origin: germline.

Greenwood Genetic Center Diagnostic Laboratories, Greenwood Genetic Center
Classification: Uncertain significance. Last evaluated: 2023-05-31. Review status: criteria provided, single submitter. Criteria: ACMG Guidelines, 2015. Collection method: clinical testing. Allele origin: germline. Affected: yes.
Comment: PM2

Labcorp Genetics (formerly Invitae), Labcorp
Classification: Uncertain significance. Last evaluated: 2022-03-22. Review status: criteria provided, single submitter. Criteria: Invitae Variant Classification Sherloc (09022015). Collection method: clinical testing. Allele origin: germline.
Comment: In summary, the available evidence is currently insufficient to determine the role of this variant in disease. Therefore, it has been classified as a Variant of Uncertain Significance. Algorithms developed to predict the effect of missense changes on protein structure and function (SIFT, PolyPhen-2, Align-GVGD) all suggest that this variant is likely to be tolerated. This variant has not been reported in the literature in individuals affected with SPEG-related conditions. This variant is present in population databases (rs757257751, gnomAD 0.0009%). This sequence change replaces glycine, which is neutral and non-polar, with serine, which is neutral and polar, at codon 1162 of the SPEG protein (p.Gly1162Ser).

NM_005876.5(SPEG):c.3484G>A (p.Gly1162Ser)

Gene: SPEG (striated muscle enriched protein kinase; plus strand). Cytogenetic location: 2q35.
Variant type: single nucleotide variant.
Coding change: c.3484G>A on transcript NM_005876.5 (MANE Select); coding-DNA position 3484, G replaced by A.
Protein change: p.Gly1162Ser; replaces glycine 1162 with serine.
Molecular consequence: missense variant.
Genome position (GRCh38, 1-based): chr2:219,469,041, G>A. VCF-style: chr2-219469041-G-A. GRCh37 (hg19) VCF-style: chr2-220333763-G-A.
Other names: c.3484G>A (NM_005876.4); short protein forms G1162S.
Identifiers: ClinVar variation 1926689 (VCV001926689.5), dbSNP rs757257751, ClinGen allele CA2126179.